The following is an entry in ClinVar:

NM_020937.4(FANCM):c.3941C>T (p.Ala1314Val)

Gene: FANCM (FA complementation group M; plus strand). Cytogenetic location: 14q21.2.
Variant type: single nucleotide variant.
Coding change: c.3941C>T on transcript NM_020937.4 (MANE Select); coding-DNA position 3941, C replaced by T.
Protein change: p.Ala1314Val; replaces alanine 1314 with valine.
Molecular consequence: missense variant.
Genome position (GRCh38, 1-based): chr14:45,176,695, C>T. VCF-style: chr14-45176695-C-T. GRCh37 (hg19) VCF-style: chr14-45645898-C-T.
Other names: c.3863C>T, p.Ala1288Val (NM_001308133.2); short protein forms A1288V, A1314V.
Identifiers: ClinVar variation 2881484 (VCV002881484.3), dbSNP rs1039314869, ClinGen allele CA259628588.

ClinVar aggregate classification (germline): Uncertain significance (1 of 4 stars; one submission).

Conditions:
Fanconi anemia (FA). Also called: Fanconi's anemia. Identifiers: Orphanet 84, MedGen C0015625, MeSH D005199, MONDO:0019391.

Allele frequency attached by ClinVar (database versions not stated): TOPMed 0.00002; gnomAD 0.00003.
gnomAD v4.1: 6 of 1,613,496 alleles (0.00037%); highest among the groups gnomAD compares: African/African-American, 0.004%; no homozygotes.

Submission:

Labcorp Genetics (formerly Invitae), Labcorp
Classification: Uncertain significance for Fanconi anemia. Last evaluated: 2024-05-29. Review status: criteria provided, single submitter. Criteria: Invitae Variant Classification Sherloc (09022015). Collection method: clinical testing. Allele origin: germline.
Comment: This sequence change replaces alanine, which is neutral and non-polar, with valine, which is neutral and non-polar, at codon 1314 of the FANCM protein (p.Ala1314Val). This variant is present in population databases (no rsID available, gnomAD 0.004%). This variant has not been reported in the literature in individuals affected with FANCM-related conditions. Algorithms developed to predict the effect of missense changes on protein structure and function output the following: SIFT: "Not Available"; PolyPhen-2: "Benign"; Align-GVGD: "Not Available". The valine amino acid residue is found in multiple mammalian species, which suggests that this missense change does not adversely affect protein function. In summary, the available evidence is currently insufficient to determine the role of this variant in disease. Therefore, it has been classified as a Variant of Uncertain Significance.